The following is an entry in ClinVar:

ClinVar aggregate classification (germline): Uncertain significance (1 of 4 stars; one submission).

gnomAD v4.1: 1 of 1,613,650 alleles (0.000062%); highest among the groups gnomAD compares: Non-Finnish European, 0.000085%; no homozygotes.

Submission:

Women's Health and Genetics/Laboratory Corporation of America, LabCorp
Classification: Uncertain significance. Last evaluated: 2024-09-26. Review status: criteria provided, single submitter. Criteria: LabCorp Variant Classification Summary - May 2015. Collection method: clinical testing. Allele origin: germline.
Comment: Variant summary: ANKRD17 c.6976G>A (p.Asp2326Asn) results in a conservative amino acid change in the encoded protein sequence. Four of five in-silico tools predict a benign effect of the variant on protein function. The variant was absent in 251300 control chromosomes. The available data on variant occurrences in the general population are insufficient to allow any conclusion about variant significance. To our knowledge, no occurrence of c.6976G>A in individuals affected with Chopra-Amiel Syndrome and no experimental evidence demonstrating its impact on protein function have been reported. No submitters have cited clinical-significance assessments for this variant to ClinVar. Based on the evidence outlined above, the variant was classified as uncertain significance.

NM_032217.5(ANKRD17):c.6976G>A (p.Asp2326Asn)

Gene: ANKRD17 (ankyrin repeat domain 17; minus strand). Cytogenetic location: 4q13.3.
Variant type: single nucleotide variant.
Coding change: c.6976G>A on transcript NM_032217.5 (MANE Select); coding-DNA position 6976, G replaced by A.
Protein change: p.Asp2326Asn; replaces aspartic acid 2326 with asparagine.
Molecular consequence: missense variant.
Genome position (GRCh38, 1-based): chr4:73,085,432, C>T on the plus strand (G>A on the coding strand, the complement: ANKRD17 is on the minus strand). VCF-style: chr4-73085432-C-T. GRCh37 (hg19) VCF-style: chr4-73951149-C-T.
Other names: c.6637G>A, p.Asp2213Asn (NM_001286771.3); c.6973G>A, p.Asp2325Asn (NM_015574.2); c.6223G>A, p.Asp2075Asn (NM_198889.3); short protein forms D2075N, D2213N, D2325N, D2326N.
Identifiers: ClinVar variation 3375169 (VCV003375169.1).